The following is an entry in ClinVar:

NM_001039876.3(SYNE4):c.1007A>G (p.Asp336Gly)

Gene: SYNE4 (spectrin repeat containing nuclear envelope family member 4; minus strand). Cytogenetic location: 19q13.12.
Variant type: single nucleotide variant.
Coding change: c.1007A>G on transcript NM_001039876.3 (MANE Select); coding-DNA position 1007, A replaced by G.
Protein change: p.Asp336Gly; replaces aspartic acid 336 with glycine.
Molecular consequence: missense variant.
Genome position (GRCh38, 1-based): chr19:36,003,637, T>C on the plus strand (A>G on the coding strand, the complement: SYNE4 is on the minus strand). VCF-style: chr19-36003637-T-C. GRCh37 (hg19) VCF-style: chr19-36494539-T-C.
Other names: c.668A>G, p.Asp223Gly (NM_001297735.3); short protein forms D223G, D336G.
Identifiers: ClinVar variation 3361972 (VCV003361972.2).

ClinVar aggregate classification (germline): Uncertain significance. Review status: criteria provided, multiple submitters, no conflicts (2 of 4 stars). 2 submissions from 2 submitters: Uncertain significance (2). Last evaluated 2024-10-24.

Submissions (2):

Ambry Genetics
Classification: Uncertain significance. Last evaluated: 2024-10-24. Review status: criteria provided, single submitter. Criteria: Ambry Variant Classification Scheme 2023. Collection method: clinical testing. Allele origin: germline.

GeneDx
Classification: Uncertain significance. Last evaluated: 2023-05-30. Review status: criteria provided, single submitter. Criteria: GeneDx Variant Classification Process June 2021. Collection method: clinical testing. Allele origin: germline. Affected: yes.
Comment: Not observed at significant frequency in large population cohorts (gnomAD); In silico analysis supports that this missense variant has a deleterious effect on protein structure/function; In silico analysis is inconclusive as to whether the variant alters gene splicing. In the absence of RNA/functional studies, the actual effect of this sequence change is unknown.; Has not been previously published as pathogenic or benign to our knowledge